The following is an entry in ClinVar:

ClinVar aggregate classification (germline): Uncertain significance. Review status: criteria provided, multiple submitters, no conflicts (2 of 4 stars). 2 submissions from 2 submitters: Uncertain significance (2). Last evaluated 2022-05-12.

Conditions:
Inborn genetic diseases. Identifiers: MedGen C0950123, MeSH D030342.

Allele frequency attached by ClinVar (database versions not stated): gnomAD 0.00001 and 0.00002; TOPMed 0.00002.
gnomAD v4.1: 6 of 1,613,850 alleles (0.00037%); highest among the groups gnomAD compares: Non-Finnish European, 0.00051%; no homozygotes.

Submissions (2):

Labcorp Genetics (formerly Invitae), Labcorp
Classification: Uncertain significance. Last evaluated: 2022-05-12. Review status: criteria provided, single submitter. Criteria: Invitae Variant Classification Sherloc (09022015). Collection method: clinical testing. Allele origin: germline.
Comment: This sequence change replaces asparagine, which is neutral and polar, with lysine, which is basic and polar, at codon 55 of the GTPBP2 protein (p.Asn55Lys). This variant is present in population databases (no rsID available, gnomAD 0.002%). This variant has not been reported in the literature in individuals affected with GTPBP2-related conditions. Algorithms developed to predict the effect of missense changes on protein structure and function are either unavailable or do not agree on the potential impact of this missense change (SIFT: "Tolerated"; PolyPhen-2: "Possibly Damaging"; Align-GVGD: "Class C0"). In summary, the available evidence is currently insufficient to determine the role of this variant in disease. Therefore, it has been classified as a Variant of Uncertain Significance.

Ambry Genetics
Classification: Uncertain significance for Inborn genetic diseases. Last evaluated: 2022-01-26. Review status: criteria provided, single submitter. Criteria: Ambry Variant Classification Scheme 2023. Collection method: clinical testing. Allele origin: germline.

NM_019096.5(GTPBP2):c.165C>A (p.Asn55Lys)

Genes: GTPBP2 (GTP binding protein 2; minus strand), LOC129996522 (ATAC-STARR-seq lymphoblastoid silent region 17237; plus strand). Cytogenetic location: 6p21.1.
Variant type: single nucleotide variant.
Coding change: c.165C>A on transcript NM_019096.5 (MANE Select); coding-DNA position 165, C replaced by A.
Protein change: p.Asn55Lys; replaces asparagine 55 with lysine.
Molecular consequence: missense variant.
Genome position (GRCh38, 1-based): chr6:43,628,998, G>T on the plus strand (C>A on the coding strand, the complement: GTPBP2 is on the minus strand). VCF-style: chr6-43628998-G-T. GRCh37 (hg19) VCF-style: chr6-43596735-G-T.
Other names: short protein forms N55K.
Identifiers: ClinVar variation 1446884 (VCV001446884.47), dbSNP rs762393343, ClinGen allele CA364281214.